The following is an entry in ClinVar:

ClinVar aggregate classification (germline): Uncertain significance. Review status: criteria provided, multiple submitters, no conflicts (2 of 4 stars). 2 submissions from 2 submitters: Uncertain significance (2). Last evaluated 2022-08-04.

Allele frequency attached by ClinVar (database versions not stated): TOPMed 0.00003.
gnomAD v4.1: 5 of 1,551,624 alleles (0.00032%); no homozygotes.

Submissions (2):

Ambry Genetics
Classification: Uncertain significance. Last evaluated: 2022-08-04. Review status: criteria provided, single submitter. Criteria: Ambry Variant Classification Scheme 2023. Collection method: clinical testing. Allele origin: germline.

Labcorp Genetics (formerly Invitae), Labcorp
Classification: Uncertain significance. Last evaluated: 2021-05-28. Review status: criteria provided, single submitter. Criteria: Invitae Variant Classification Sherloc (09022015). Collection method: clinical testing. Allele origin: germline.
Comment: In summary, the available evidence is currently insufficient to determine the role of this variant in disease. Therefore, it has been classified as a Variant of Uncertain Significance. Algorithms developed to predict the effect of missense changes on protein structure and function (SIFT, PolyPhen-2, Align-GVGD) all suggest that this variant is likely to be tolerated, but these predictions have not been confirmed by published functional studies and their clinical significance is uncertain. This variant has not been reported in the literature in individuals with RIMS1-related conditions. The frequency data for this variant in the population databases is considered unreliable, as metrics indicate insufficient coverage at this position in the ExAC database. This sequence change replaces histidine with aspartic acid at codon 454 of the RIMS1 protein (p.His454Asp). The histidine residue is moderately conserved and there is a moderate physicochemical difference between histidine and aspartic acid.

NM_014989.7(RIMS1):c.1360C>G (p.His454Asp)

Gene: RIMS1 (regulating synaptic membrane exocytosis 1; plus strand). Cytogenetic location: 6q13.
Variant type: single nucleotide variant.
Coding change: c.1360C>G on transcript NM_014989.7 (MANE Select); coding-DNA position 1360, C replaced by G.
Protein change: p.His454Asp; replaces histidine 454 with aspartic acid.
Molecular consequence: missense variant.
Genome position (GRCh38, 1-based): chr6:72,182,831, C>G. VCF-style: chr6-72182831-C-G. GRCh37 (hg19) VCF-style: chr6-72892534-C-G.
Other names: c.1360C>G (NM_014989.4); short protein forms H454D.
Identifiers: ClinVar variation 1432073 (VCV001432073.9), dbSNP rs750685709, ClinGen allele CA141417547.
Genomic context (GRCh38, chr6:72,182,831, plus strand): 5'-GCGGAGACCAGGGCGCCGGGCGCCAAGCAGCTAACGAACCACAGCCCGCCGGCGCCCAGA[C>G]ATGGGCCGGTTCCCGCAGAAGCCCCGGAGCTCAAAGCCCAGGAGCCCCTCAGGAAGCAGA-3'
Protein context (NP_055804.2, residues 444-464): LTNHSPPAPR[His454Asp]GPVPAEAPEL